The following is an entry in ClinVar:

NM_003000.3(SDHB):c.705G>A (p.Gln235=)

Gene: SDHB (succinate dehydrogenase complex iron sulfur subunit B; minus strand). Cytogenetic location: 1p36.13.
Variant type: single nucleotide variant.
Coding change: c.705G>A on transcript NM_003000.3 (MANE Select); coding-DNA position 705, G replaced by A.
Protein change: p.Gln235=; no amino-acid change (glutamine 235 retained).
Molecular consequence: synonymous variant.
Genome position (GRCh38, 1-based): chr1:17,022,668, C>T on the plus strand (G>A on the coding strand, the complement: SDHB is on the minus strand). VCF-style: chr1-17022668-C-T. GRCh37 (hg19) VCF-style: chr1-17349163-C-T.
Other names: c.705G>A (NM_003000.2).
Identifiers: ClinVar variation 1395701 (VCV001395701.10), dbSNP rs1570944851, ClinGen allele CA416081981.

ClinVar aggregate classification (germline): Benign/Likely benign. Review status: criteria provided, multiple submitters, no conflicts (2 of 4 stars). 3 submissions from 3 submitters: Benign (1); Likely benign (2). Last evaluated 2025-06-09.

Conditions:
Pheochromocytoma. Also called: MAX-Related Hereditary Paraganglioma-Pheochromocytoma Syndrome. Identifiers: Orphanet 29072, MedGen C0031511, MONDO:0008233, OMIM 171300, HP:0002666.
Pheochromocytoma/paraganglioma syndrome 4. Also called: CAROTID BODY TUMORS AND MULTIPLE EXTRAADRENAL PHEOCHROMOCYTOMAS; PARAGANGLIOMA, FAMILIAL MALIGNANT; PARAGANGLIOMAS, HEREDITARY EXTRAADRENAL; PHEOCHROMOCYTOMA, FAMILIAL EXTRAADRENAL; Paragangliomas 4; SDHB-Related Hereditary Paraganglioma-Pheochromocytoma Syndrome (Paragangliomas 4). Identifiers: Orphanet 29072, MedGen C1861848, MONDO:0007273, OMIM 115310.
Gastrointestinal stromal tumor. Also called: Gastrointestinal stroma tumor; Gastrointestinal stromal tumor, somatic. Identifiers: Orphanet 44890, MedGen C0238198, MeSH D046152, MONDO:0011719, OMIM 606764, HP:0100723.
Hereditary cancer-predisposing syndrome. Also called: Tumor predisposition; Hereditary Cancer Syndrome; Hereditary neoplastic syndrome; Neoplastic Syndromes, Hereditary. Identifiers: Orphanet 140162, MedGen C0027672, MeSH D009386, MONDO:0015356.

Allele frequency attached by ClinVar (database versions not stated): gnomAD exomes below 0.00001; TOPMed below 0.00001; gnomAD 0.00001.
gnomAD v4.1: 3 of 1,613,948 alleles (0.00019%); highest among the groups gnomAD compares: Non-Finnish European, 0.00025%; no homozygotes.

Submissions (3):

Ambry Genetics
Classification: Likely benign for Hereditary cancer-predisposing syndrome. Last evaluated: 2025-06-09. Review status: criteria provided, single submitter. Criteria: Ambry Variant Classification Scheme 2023. Collection method: clinical testing. Allele origin: germline.

Myriad Genetics, Inc.
Classification: Benign for Pheochromocytoma/paraganglioma syndrome 4. Last evaluated: 2025-03-13. Review status: criteria provided, single submitter. Criteria: Myriad Autosomal Dominant, Autosomal Recessive and X-Linked Classification Criteria (2023). Collection method: clinical testing. Allele origin: unknown.
Comment: This variant is considered benign. This variant is a silent/synonymous amino acid change and it is not expected to impact splicing.

Labcorp Genetics (formerly Invitae), Labcorp
Classification: Likely benign for Gastrointestinal stromal tumor; Pheochromocytoma/paraganglioma syndrome 4; Pheochromocytoma. Last evaluated: 2022-11-07. Review status: criteria provided, single submitter. Criteria: Invitae Variant Classification Sherloc (09022015). Collection method: clinical testing. Allele origin: germline.